The following is an entry in ClinVar:

NM_001367916.1(MAGT1):c.808C>T (p.His270Tyr)

Gene: MAGT1 (magnesium transporter 1; minus strand). Cytogenetic location: Xq21.1.
Variant type: single nucleotide variant.
Coding change: c.808C>T on transcript NM_001367916.1 (MANE Select); coding-DNA position 808, C replaced by T.
Protein change: p.His270Tyr; replaces histidine 270 with tyrosine.
Molecular consequence: missense variant.
Genome position (GRCh38, 1-based): chrX:77,853,919, G>A on the plus strand (C>T on the coding strand, the complement: MAGT1 is on the minus strand). VCF-style: chrX-77853919-G-A. GRCh37 (hg19) VCF-style: chrX-77109416-G-A.
Other names: c.904C>T, p.His302Tyr (NM_032121.5); short protein forms H270Y, H302Y.
Identifiers: ClinVar variation 3656457 (VCV003656457.2).

ClinVar aggregate classification (germline): Uncertain significance (1 of 4 stars; one submission).

Conditions:
X-linked immunodeficiency with magnesium defect, Epstein-Barr virus infection and neoplasia. Identifiers: Orphanet 317476, MedGen C3275445, MONDO:0010455, OMIM 300853.

Submission:

Labcorp Genetics (formerly Invitae), Labcorp
Classification: Uncertain significance for X-linked immunodeficiency with magnesium defect, Epstein-Barr virus infection and neoplasia. Last evaluated: 2024-06-12. Review status: criteria provided, single submitter. Criteria: Invitae Variant Classification Sherloc (09022015). Collection method: clinical testing. Allele origin: germline.
Comment: This sequence change replaces histidine, which is basic and polar, with tyrosine, which is neutral and polar, at codon 302 of the MAGT1 protein (p.His302Tyr). This variant is not present in population databases (gnomAD no frequency). This variant has not been reported in the literature in individuals affected with MAGT1-related conditions. Advanced modeling of protein sequence and biophysical properties (such as structural, functional, and spatial information, amino acid conservation, physicochemical variation, residue mobility, and thermodynamic stability) performed at Invitae indicates that this missense variant is not expected to disrupt MAGT1 protein function with a negative predictive value of 80%. In summary, the available evidence is currently insufficient to determine the role of this variant in disease. Therefore, it has been classified as a Variant of Uncertain Significance.